The following is an entry in ClinVar:

ClinVar aggregate classification (germline): Conflicting classifications of pathogenicity. Review status: criteria provided, conflicting classifications (1 of 4 stars). 2 submissions from 2 submitters: Uncertain significance (1); Likely benign (1). Last evaluated 2023-03-23.

Conditions:
Hereditary cancer-predisposing syndrome. Also called: Hereditary Cancer Syndrome; Hereditary neoplastic syndrome; Tumor predisposition; Neoplastic Syndromes, Hereditary. Identifiers: Orphanet 140162, MedGen C0027672, MeSH D009386, MONDO:0015356.
Hereditary breast ovarian cancer syndrome. Also called: Breast and ovarian cancer; Hereditary breast and ovarian cancer syndrome; Hereditary breast and ovarian cancer syndrome (HBOC); BRCA1- and BRCA2-Associated Hereditary Breast and Ovarian Cancer; Hereditary breast and ovarian cancer; Hereditary breast and/or ovarian cancer syndrome. Identifiers: Orphanet 145, MedGen C0677776, MeSH D061325, MONDO:0003582. Disease mechanism: loss of function.

Submissions (2):

University of Washington Department of Laboratory Medicine, University of Washington
Classification: Likely benign for Hereditary cancer-predisposing syndrome. Last evaluated: 2023-03-23. Review status: criteria provided, single submitter. Criteria: Dines et al. (Genet Med. 2020). Collection method: curation. Allele origin: germline.
Comment: Missense variant in a coldspot region where missense variants are very unlikely to be pathogenic (PMID:31911673).

BRCA1 coldspot (exon 11 using historical exon numbering). Reclassification based on statistical prior probability

Labcorp Genetics (formerly Invitae), Labcorp
Classification: Uncertain significance for Hereditary breast ovarian cancer syndrome. Last evaluated: 2019-04-18. Review status: criteria provided, single submitter. Criteria: Invitae Variant Classification Sherloc (09022015). Collection method: clinical testing. Allele origin: germline.
Comment: In summary, the available evidence is currently insufficient to determine the role of this variant in disease. Therefore, it has been classified as a Variant of Uncertain Significance. Algorithms developed to predict the effect of missense changes on protein structure and function are either unavailable or do not agree on the potential impact of this missense change (SIFT: "Tolerated"; PolyPhen-2: "Possibly Damaging"; Align-GVGD: "Class C0"). This variant has not been reported in the literature in individuals with BRCA1-related conditions. This variant is not present in population databases (ExAC no frequency). This sequence change replaces threonine with isoleucine at codon 826 of the BRCA1 protein (p.Thr826Ile). The threonine residue is moderately conserved and there is a moderate physicochemical difference between threonine and isoleucine.

NM_007294.4(BRCA1):c.2477C>T (p.Thr826Ile)

Gene: BRCA1 (BRCA1 DNA repair associated; minus strand). Cytogenetic location: 17q21.31.
Variant type: single nucleotide variant.
Coding change: c.2477C>T on transcript NM_007294.4 (MANE Select); coding-DNA position 2477, C replaced by T.
Protein change: p.Thr826Ile; replaces threonine 826 with isoleucine.
Molecular consequence: missense variant. On other transcripts: intron variant (137).
Genome position (GRCh38, 1-based): chr17:43,093,054, G>A on the plus strand (C>T on the coding strand, the complement: BRCA1 is on the minus strand). VCF-style: chr17-43093054-G-A. GRCh37 (hg19) VCF-style: chr17-41245071-G-A.
Other names: c.2264C>T, p.Thr755Ile (NM_001407571.1, NM_001407853.1, NM_001407894.1 and 9 more transcripts); c.2477C>T, p.Thr826Ile (NM_001407581.1, NM_001407582.1, NM_001407583.1 and 30 more transcripts); c.2474C>T, p.Thr825Ile (NM_001407587.1, NM_001407590.1, NM_001407591.1 and 22 more transcripts); c.2468C>T, p.Thr823Ile (NM_001407646.1, NM_001407647.1); c.2354C>T, p.Thr785Ile (NM_001407648.1, NM_001407664.1, NM_001407665.1 and 19 more transcripts); c.2351C>T, p.Thr784Ile (NM_001407649.1, NM_001407670.1, NM_001407671.1 and 11 more transcripts); c.2399C>T, p.Thr800Ile (NM_001407653.1, NM_001407654.1, NM_001407655.1 and 4 more transcripts); c.2396C>T, p.Thr799Ile (NM_001407659.1, NM_001407660.1, NM_001407661.1 and 1 more transcripts); and 41 more; short protein forms T779I, T826I, T530I, T658I, T737I, T755I, T759I, T778I.
Identifiers: ClinVar variation 843829 (VCV000843829.13), dbSNP rs28897683, ClinGen allele CA10597047.